The following is an entry in ClinVar:

NM_001377.3(DYNC2H1):c.520G>A (p.Asp174Asn)

Gene: DYNC2H1 (dynein cytoplasmic 2 heavy chain 1; plus strand). Cytogenetic location: 11q22.3.
Variant type: single nucleotide variant.
Coding change: c.520G>A on transcript NM_001377.3 (MANE Select); coding-DNA position 520, G replaced by A.
Protein change: p.Asp174Asn; replaces aspartic acid 174 with asparagine.
Molecular consequence: missense variant.
Genome position (GRCh38, 1-based): chr11:103,115,194, G>A. VCF-style: chr11-103115194-G-A. GRCh37 (hg19) VCF-style: chr11-102985923-G-A.
Other names: c.520G>A, p.Asp174Asn (NM_001080463.2); short protein forms D174N.
Identifiers: ClinVar variation 3055149 (VCV003055149.2), dbSNP rs757134411, ClinGen allele CA6252524.

ClinVar aggregate classification (germline): Uncertain significance (0 of 4 stars; one submission).

Conditions:
DYNC2H1-related disorder. Also called: DYNC2H1-related disorders; DYNC2H1-related condition. Identifiers: MedGen CN378770.

Allele frequency attached by ClinVar (database versions not stated): gnomAD exomes 0.00003; TOPMed 0.00003; ExAC 0.00005; gnomAD 0.00005.
gnomAD v4.1: 45 of 1,609,390 alleles (0.0028%); highest among the groups gnomAD compares: East Asian, 0.016%; 1 homozygote.

Submission:

PreventionGenetics, part of Exact Sciences
Classification: Uncertain significance for DYNC2H1-related condition. Last evaluated: 2024-02-12. Review status: no assertion criteria provided. Collection method: clinical testing. Allele origin: germline.
Comment: The DYNC2H1 c.520G>A variant is predicted to result in the amino acid substitution p.Asp174Asn. To our knowledge, this variant has not been reported in the literature. This variant is reported in 0.021% of alleles in individuals of East Asian descent in gnomAD. At this time, the clinical significance of this variant is uncertain due to the absence of conclusive functional and genetic evidence.